The following is an entry in ClinVar:

ClinVar aggregate classification (germline): Uncertain significance. Review status: criteria provided, multiple submitters, no conflicts (2 of 4 stars). 2 submissions from 2 submitters: Uncertain significance (2). Last evaluated 2026-01-16.

gnomAD v4.1: 29 of 1,614,084 alleles (0.0018%); highest among the groups gnomAD compares: Non-Finnish European, 0.0022%; no homozygotes.

Submissions (2):

Labcorp Genetics (formerly Invitae), Labcorp
Classification: Uncertain significance. Last evaluated: 2026-01-16. Review status: criteria provided, single submitter. Criteria: Invitae Variant Classification Sherloc (09022015). Collection method: clinical testing. Allele origin: germline.
Comment: This sequence change replaces isoleucine, which is neutral and non-polar, with threonine, which is neutral and polar, at codon 298 of the SPTB protein (p.Ile298Thr). This variant is not present in population databases (gnomAD no frequency). This variant has not been reported in the literature in individuals affected with SPTB-related conditions. An algorithm developed to predict the effect of missense changes on protein structure and function (PolyPhen-2) suggests that this variant is likely to be disruptive. In summary, the available evidence is currently insufficient to determine the role of this variant in disease. Therefore, it has been classified as a Variant of Uncertain Significance.

Mayo Clinic Laboratories, Mayo Clinic
Classification: Uncertain significance. Last evaluated: 2025-03-20. Review status: criteria provided, single submitter. Criteria: ACMG Guidelines, 2015. Collection method: clinical testing. Allele origin: germline. Observed: 1 variant allele.
Comment: PM2_supporting

NM_001355436.2(SPTB):c.893T>C (p.Ile298Thr)

Gene: SPTB (spectrin beta, erythrocytic; minus strand). Cytogenetic location: 14q23.3.
Variant type: single nucleotide variant.
Coding change: c.893T>C on transcript NM_001355436.2 (MANE Select); coding-DNA position 893, T replaced by C.
Protein change: p.Ile298Thr; replaces isoleucine 298 with threonine.
Molecular consequence: missense variant.
Genome position (GRCh38, 1-based): chr14:64,799,918, A>G on the plus strand (T>C on the coding strand, the complement: SPTB is on the minus strand). VCF-style: chr14-64799918-A-G. GRCh37 (hg19) VCF-style: chr14-65266636-A-G.
Other names: p.Ile298Thr; c.893T>C, p.Ile298Thr (NM_001024858.4, NM_001355437.2); short protein forms I298T.
Identifiers: ClinVar variation 4541865 (VCV004541865.2).